The following is an entry in ClinVar:

NM_001370298.3(FGD4):c.2313+5G>C

Gene: FGD4 (FYVE, RhoGEF and PH domain containing 4; plus strand). Cytogenetic location: 12p11.21.
Variant type: single nucleotide variant.
Coding change: c.2313+5G>C on transcript NM_001370298.3 (MANE Select); 5 bases into the intron after coding-DNA position 2313, G replaced by C.
Molecular consequence: intron variant.
Genome position (GRCh38, 1-based): chr12:32,633,694, G>C. VCF-style: chr12-32633694-G-C. GRCh37 (hg19) VCF-style: chr12-32786628-G-C.
Other names: c.2313+5G>C (NM_001384126.1); c.2157+5G>C (NM_001304481.2); c.1623+5G>C (NM_001330374.2, NM_001330373.2, NM_001384130.1); c.1902+5G>C (NM_139241.3, NM_001384127.1, NM_001385118.1 and 2 more transcripts); c.870+5G>C (NM_001304484.2); c.1350+5G>C (NM_001370297.1); c.1158+5G>C (NM_001304483.2).
Identifiers: ClinVar variation 1356129 (VCV001356129.7), dbSNP rs777362500, ClinGen allele CA6507034.

ClinVar aggregate classification (germline): Uncertain significance. Review status: criteria provided, multiple submitters, no conflicts (2 of 4 stars). 2 submissions from 2 submitters: Uncertain significance (2). Last evaluated 2024-10-29.

Conditions:
Inborn genetic diseases. Identifiers: MedGen C0950123, MeSH D030342.
Charcot-Marie-Tooth disease type 4. Also called: Charcot-Marie-Tooth disease, type IV; Charcot-Marie-Tooth, Type 4. Identifiers: Orphanet 64749, MedGen C4082197, MONDO:0018995.

Allele frequency attached by ClinVar (database versions not stated): ExAC 0.00001.

Submissions (2):

Labcorp Genetics (formerly Invitae), Labcorp
Classification: Uncertain significance for Charcot-Marie-Tooth disease type 4. Last evaluated: 2024-10-29. Review status: criteria provided, single submitter. Criteria: Invitae Variant Classification Sherloc (09022015). Collection method: clinical testing. Allele origin: germline.
Comment: This sequence change falls in intron 15 of the FGD4 gene. It does not directly change the encoded amino acid sequence of the FGD4 protein. It affects a nucleotide within the consensus splice site. This variant is not present in population databases (gnomAD no frequency). This variant has not been reported in the literature in individuals affected with FGD4-related conditions. ClinVar contains an entry for this variant (Variation ID: 1356129). Variants that disrupt the consensus splice site are a relatively common cause of aberrant splicing (PMID: 17576681, 9536098). Algorithms developed to predict the effect of sequence changes on RNA splicing suggest that this variant is not likely to affect RNA splicing. In summary, the available evidence is currently insufficient to determine the role of this variant in disease. Therefore, it has been classified as a Variant of Uncertain Significance.

Ambry Genetics
Classification: Uncertain significance for Inborn genetic diseases. Last evaluated: 2023-09-28. Review status: criteria provided, single submitter. Criteria: Ambry Variant Classification Scheme 2023. Collection method: clinical testing. Allele origin: germline.
Comment: The c.1902+5G>C intronic alteration consists of a G to C substitution 5 nucleotides after exon 15 (coding exon 13) of the FGD4 gene. Based on insufficient or conflicting evidence, the clinical significance of this alteration remains unclear.

Literature cited by the submitters: PubMed 17576681 (cited by Labcorp Genetics (formerly Invitae), Labcorp); PubMed 9536098 (cited by Labcorp Genetics (formerly Invitae), Labcorp).